The following is an entry in ClinVar:

ClinVar aggregate classification (germline): Likely pathogenic (1 of 4 stars; one submission).

Conditions:
TRIP12-related disorder. Also called: TRIP12-related condition.

Submission:

PreventionGenetics, part of Exact Sciences
Classification: Likely pathogenic for TRIP12-related condition. Last evaluated: 2025-09-22. Review status: criteria provided, single submitter. Criteria: ACMG Guidelines, 2015. Collection method: clinical testing. Allele origin: germline.
Comment: The TRIP12 c.783dupT variant is predicted to result in a frameshift and premature protein termination (p.Ala262Cysfs*27). To our knowledge, this variant has not been reported in the literature or in a large population database (gnomAD), indicating this variant is rare. Frameshift variants in TRIP12 are expected to be pathogenic. This variant is interpreted as likely pathogenic.

NM_001348323.3(TRIP12):c.783dup (p.Ala262fs)

Gene: TRIP12 (thyroid hormone receptor interactor 12; minus strand). Cytogenetic location: 2q36.3.
Variant type: Duplication.
Coding change: c.783dup on transcript NM_001348323.3 (MANE Select); coding-DNA position 783, one base duplicated (T; older notation c.783dupT).
Protein change: p.Ala262fs; shifts the reading frame from alanine 262.
Molecular consequence: frameshift variant. On other transcripts: intron variant (1).
Genome position (GRCh38, 1-based): chr2:229,859,016, A duplicated on the plus strand (T on the coding strand, the reverse complement: TRIP12 is on the minus strand). VCF-style (leftmost placement, unchanged base first): chr2-229859015-C-CA. GRCh37 (hg19) VCF-style: chr2-230723731-C-CA.
Other names: c.783dup, p.Ala262fs (NM_001284214.2, NM_001348315.2, NM_001348319.1 and 15 more transcripts); c.657dup, p.Ala220fs (NM_001284215.2, NM_001348316.2, NM_001348317.1 and 3 more transcripts); c.98+20966dup (NM_001284216.2); short protein forms A220fs, A262fs.
Identifiers: ClinVar variation 4996046 (VCV004996046.1).
Genomic context (GRCh38, chr2:229,859,015, plus strand): 5'-GACTGGACGCTGAACGGGAACGCCTGGCCTTGTTCTGATCTTTTCCTTGTTTCACTCTGG[C>CA]ACCTGGTGGTACAGTGGAGGAGGCCGAGGCTACAGCAGAAGACGAGGAGGAAGTAGAGGC-3'